The following is an entry in ClinVar:

NM_000443.4(ABCB4):c.2301dup (p.Thr768fs)

Gene: ABCB4 (ATP binding cassette subfamily B member 4; minus strand). Cytogenetic location: 7q21.12.
Variant type: Duplication.
Coding change: c.2301dup on transcript NM_000443.4 (MANE Select); coding-DNA position 2301, one base duplicated (T; older notation c.2301dupT).
Protein change: p.Thr768fs; shifts the reading frame from threonine 768.
Molecular consequence: frameshift variant.
Genome position (GRCh38, 1-based): chr7:87,422,136, A duplicated on the plus strand (T on the coding strand, the reverse complement: ABCB4 is on the minus strand); the first of 7 consecutive A bases (chr7:87,422,136-87,422,142); duplicating any one gives the same sequence. VCF-style (leftmost placement, unchanged base first): chr7-87422135-T-TA. GRCh37 (hg19) VCF-style: chr7-87051451-T-TA.
Other names: c.2301dup, p.Thr768fs (NM_018849.3, NM_018850.3); short protein forms T768fs.
Identifiers: ClinVar variation 4846642 (VCV004846642.1).

ClinVar aggregate classification (germline): Pathogenic (1 of 4 stars; one submission).

Conditions:
Familial intrahepatic cholestasis. Identifiers: Orphanet 284385, MedGen CN296401, MONDO:0017290.
Low phospholipid associated cholelithiasis (GBD1). Also called: Gallbladder disease 1; Gallstone cholecystitis. Identifiers: Orphanet 69663, MedGen C2609268, MONDO:0010939, OMIM 600803.

Submission:

Genomenon, Inc
Classification: Pathogenic for Familial intrahepatic cholestasis; Low phospholipid associated cholelithiasis. Last evaluated: 2026-04-14. Review status: criteria provided, single submitter. Criteria: Genomenon Sequence Variant Interpretation Standards - Updated. Collection method: curation. Allele origin: germline. Affected: yes.
Comment: ABCB4 p.Thr768TyrfsTer26 (c.2301dup) is a frameshift variant that results in the production of a truncated protein which is predicted to undergo nonsense-mediated mRNA decay. This variant has been observed in at least one proband with an ABCB4-related disorder (PMID:35288833). The variant was found to segregate with disease in at least one affected family (PMID:35288833). It is absent or not present at a significant frequency in gnomAD. In conclusion, we classify ABCB4 p.Thr768TyrfsTer26 (c.2301dup) as a pathogenic variant.

Literature cited by the submitters: PubMed 35288833.